The following is an entry in ClinVar:

NM_138477.4(CDAN1):c.3096del (p.Asp1033fs)

Gene: CDAN1 (codanin 1; minus strand). Cytogenetic location: 15q15.2.
Variant type: Deletion.
Coding change: c.3096del on transcript NM_138477.4 (MANE Select); coding-DNA position 3096, one base deleted (A; older notation c.3096delA).
Protein change: p.Asp1033fs; shifts the reading frame from aspartic acid 1033.
Molecular consequence: frameshift variant.
Genome position (GRCh38, 1-based): chr15:42,727,621, T deleted on the plus strand (A on the coding strand, the reverse complement: CDAN1 is on the minus strand); the first of 4 consecutive T bases (chr15:42,727,621-42,727,624); deleting any one gives the same sequence. VCF-style (leftmost placement, unchanged base first): chr15-42727620-CT-C. GRCh37 (hg19) VCF-style: chr15-43019818-CT-C.
Other names: short protein forms D1033fs.
Identifiers: ClinVar variation 4727451 (VCV004727451.1).

ClinVar aggregate classification (germline): Pathogenic (1 of 4 stars; one submission).

Submission:

Labcorp Genetics (formerly Invitae), Labcorp
Classification: Pathogenic. Last evaluated: 2025-09-19. Review status: criteria provided, single submitter. Criteria: Invitae Variant Classification Sherloc (09022015). Collection method: clinical testing. Allele origin: germline.
Comment: This sequence change creates a premature translational stop signal (p.Asp1033Thrfs*25) in the CDAN1 gene. It is expected to result in an absent or disrupted protein product. Loss-of-function variants in CDAN1 are known to be pathogenic (PMID: 16098079, 16141353). This variant is not present in population databases (gnomAD no frequency). This variant has not been reported in the literature in individuals affected with CDAN1-related conditions. Algorithms developed to predict the effect of sequence changes on RNA splicing suggest that this variant may disrupt the consensus splice site. For these reasons, this variant has been classified as Pathogenic.

Literature cited by the submitters: PubMed 16098079; PubMed 16141353.